The following is an entry in ClinVar:

NM_002788.4(PSMA3):c.544-3T>C

Genes: PSMA3 (proteasome 20S subunit alpha 3; plus strand), PSMA3-AS1 (PSMA3 antisense RNA 1; minus strand). Cytogenetic location: 14q23.1.
Variant type: single nucleotide variant.
Coding change: c.544-3T>C on transcript NM_002788.4 (MANE Select); 3 bases into the intron before coding-DNA position 544, T replaced by C.
Molecular consequence: intron variant.
Genome position (GRCh38, 1-based): chr14:58,267,471, T>C. VCF-style: chr14-58267471-T-C. GRCh37 (hg19) VCF-style: chr14-58734189-T-C.
Other names: c.523-3T>C (NM_152132.3).
Identifiers: ClinVar variation 1397590 (VCV001397590.7), dbSNP rs764703307, ClinGen allele CA7203835.

ClinVar aggregate classification (germline): Uncertain significance (1 of 4 stars; one submission).

Allele frequency attached by ClinVar (database versions not stated): gnomAD exomes 0.00001; ExAC 0.00002.

Submission:

Labcorp Genetics (formerly Invitae), Labcorp
Classification: Uncertain significance. Last evaluated: 2026-01-19. Review status: criteria provided, single submitter. Criteria: Invitae Variant Classification Sherloc (09022015). Collection method: clinical testing. Allele origin: germline.
Comment: This sequence change falls in intron 7 of the PSMA3 gene. It does not directly change the encoded amino acid sequence of the PSMA3 protein. It affects a nucleotide within the consensus splice site. This variant is present in population databases (rs764703307, gnomAD 0.007%). This variant has not been reported in the literature in individuals affected with PSMA3-related conditions. ClinVar contains an entry for this variant (Variation ID: 1397590). Variants that disrupt the consensus splice site are a relatively common cause of aberrant splicing (PMID: 17576681, 9536098). Algorithms developed to predict the effect of sequence changes on RNA splicing suggest that this variant is not likely to affect RNA splicing. In summary, the available evidence is currently insufficient to determine the role of this variant in disease. Therefore, it has been classified as a Variant of Uncertain Significance.

Literature cited by the submitters: PubMed 17576681; PubMed 9536098.